The following is an entry in ClinVar:

ClinVar aggregate classification (germline): Likely benign. Review status: criteria provided, multiple submitters, no conflicts (2 of 4 stars). 2 submissions from 2 submitters: Likely benign (2). Last evaluated 2026-03-01.

Submissions (2):

CeGaT Center for Human Genetics Tuebingen
Classification: Likely benign. Last evaluated: 2026-03-01. Review status: criteria provided, single submitter. Criteria: CeGaT Center For Human Genetics Tuebingen Variant Classification Criteria Version 2. Collection method: clinical testing. Allele origin: germline. Affected: yes. Observed: 1 variant allele.
Comment: KMT2C: PM2:Supporting, BP4, BP7

Labcorp Genetics (formerly Invitae), Labcorp
Classification: Likely benign. Last evaluated: 2023-10-20. Review status: criteria provided, single submitter. Criteria: Invitae Variant Classification Sherloc (09022015). Collection method: clinical testing. Allele origin: germline.

NM_170606.3(KMT2C):c.7636T>C (p.Leu2546=)

Gene: KMT2C (lysine methyltransferase 2C; minus strand). Cytogenetic location: 7q36.1.
Variant type: single nucleotide variant.
Coding change: c.7636T>C on transcript NM_170606.3 (MANE Select); coding-DNA position 7636, T replaced by C.
Protein change: p.Leu2546=; no amino-acid change (leucine 2546 retained).
Molecular consequence: synonymous variant.
Genome position (GRCh38, 1-based): chr7:152,177,817, A>G on the plus strand (T>C on the coding strand, the complement: KMT2C is on the minus strand). VCF-style: chr7-152177817-A-G. GRCh37 (hg19) VCF-style: chr7-151874902-A-G.
Identifiers: ClinVar variation 2980139 (VCV002980139.7), dbSNP rs2129115447, ClinGen allele CA458887100.
Genomic context (GRCh38, chr7:152,177,817, plus strand): 5'-GAGCCCTATGTCTCAGTTCAATATATGCTTGGCCCAGTATGTTGTGCTGCTGAACTGGCA[A>G]GCTCTGTGGTGAAAAATGCTGAGGAAGTCCAACTGGATTATTCATTTGTGAGTTATTTAA-3'
Protein context (NP_733751.2, residues 2536-2556): GLPQHFSPQS[Leu2546=]PVQQHNILGQ